The following is an entry in ClinVar:

NM_001365951.3(KIF1B):c.647G>A (p.Arg216His)

Gene: KIF1B (kinesin family member 1B; plus strand). Cytogenetic location: 1p36.22.
Variant type: single nucleotide variant.
Coding change: c.647G>A on transcript NM_001365951.3 (MANE Select); coding-DNA position 647, G replaced by A.
Protein change: p.Arg216His; replaces arginine 216 with histidine.
Molecular consequence: missense variant.
Genome position (GRCh38, 1-based): chr1:10,268,190, G>A. VCF-style: chr1-10268190-G-A. GRCh37 (hg19) VCF-style: chr1-10328248-G-A.
Other names: c.647G>A, p.Arg216His (NM_001365952.1, NM_001365953.1, NM_015074.3 and 1 more transcripts); short protein forms R216H.
Identifiers: ClinVar variation 1753748 (VCV001753748.2), dbSNP rs2521052404, ClinGen allele CA338330325.

ClinVar aggregate classification (germline): Uncertain significance (1 of 4 stars; one submission).

Allele frequency attached by ClinVar (database versions not stated): gnomAD exomes below 0.00001.
gnomAD v4.1: 1 of 1,614,010 alleles (0.000062%); highest among the groups gnomAD compares: Non-Finnish European, 0.000085%; no homozygotes.

Submission:

Ambry Genetics
Classification: Uncertain significance. Last evaluated: 2022-05-23. Review status: criteria provided, single submitter. Criteria: Ambry Variant Classification Scheme 2023. Collection method: clinical testing. Allele origin: germline.
Comment: The p.R216H variant (also known as c.647G>A), located in coding exon 6 of the KIF1B gene, results from a G to A substitution at nucleotide position 647. The arginine at codon 216 is replaced by histidine, an amino acid with highly similar properties. This amino acid position is conserved. In addition, this alteration is predicted to be deleterious by in silico analysis. Since supporting evidence is limited at this time, the clinical significance of this alteration remains unclear.